The following is an entry in ClinVar:

NM_006267.5(RANBP2):c.5579A>C (p.Lys1860Thr)

Gene: RANBP2 (RAN binding protein 2; plus strand). Cytogenetic location: 2q13.
Variant type: single nucleotide variant.
Coding change: c.5579A>C on transcript NM_006267.5 (MANE Select); coding-DNA position 5579, A replaced by C.
Protein change: p.Lys1860Thr; replaces lysine 1860 with threonine.
Molecular consequence: missense variant.
Genome position (GRCh38, 1-based): chr2:108,766,118, A>C. VCF-style: chr2-108766118-A-C. GRCh37 (hg19) VCF-style: chr2-109382574-A-C.
Other names: short protein forms K1860T.
Identifiers: ClinVar variation 942134 (VCV000942134.7), dbSNP rs776428358, ClinGen allele CA1823304.

ClinVar aggregate classification (germline): Uncertain significance (1 of 4 stars; one submission).

Conditions:
Familial acute necrotizing encephalopathy (IIAE3). Also called: ENCEPHALOPATHY, ACUTE, INFECTION-INDUCED, SUSCEPTIBILITY TO, 3; Susceptibility to Acute Necrotizing Encephalopathy 1. Identifiers: Orphanet 88619, MedGen C2675556, MONDO:0011953, OMIM 608033.

Allele frequency attached by ClinVar (database versions not stated): ExAC 0.00003; gnomAD exomes 0.00004.
gnomAD v4.1: 35 of 1,613,992 alleles (0.0022%); highest among the groups gnomAD compares: South Asian, 0.035%; no homozygotes.

Submission:

Labcorp Genetics (formerly Invitae), Labcorp
Classification: Uncertain significance for Familial acute necrotizing encephalopathy. Last evaluated: 2022-11-01. Review status: criteria provided, single submitter. Criteria: Invitae Variant Classification Sherloc (09022015). Collection method: clinical testing. Allele origin: germline.
Comment: In summary, the available evidence is currently insufficient to determine the role of this variant in disease. Therefore, it has been classified as a Variant of Uncertain Significance. This sequence change replaces lysine, which is basic and polar, with threonine, which is neutral and polar, at codon 1860 of the RANBP2 protein (p.Lys1860Thr). This variant is present in population databases (rs776428358, gnomAD 0.03%). This variant has not been reported in the literature in individuals affected with RANBP2-related conditions. ClinVar contains an entry for this variant (Variation ID: 942134). Algorithms developed to predict the effect of missense changes on protein structure and function are either unavailable or do not agree on the potential impact of this missense change (SIFT: "Deleterious"; PolyPhen-2: "Benign"; Align-GVGD: "Class C65").